The following is an entry in ClinVar:

ClinVar aggregate classification (germline): Uncertain significance (1 of 4 stars; one submission).

Conditions:
Familial cold autoinflammatory syndrome 3 (FCAS3). Also called: FAMILIAL ATYPICAL COLD URTICARIA; ANTIBODY DEFICIENCY AND IMMUNE DYSREGULATION, PLCG2-ASSOCIATED. Identifiers: Orphanet 300359, MedGen C3280914, MONDO:0013766, OMIM 614468.

Submission:

Labcorp Genetics (formerly Invitae), Labcorp
Classification: Uncertain significance for Familial cold autoinflammatory syndrome 3. Last evaluated: 2019-01-24. Review status: criteria provided, single submitter. Criteria: Invitae Variant Classification Sherloc (09022015). Collection method: clinical testing. Allele origin: germline.
Comment: In summary, the available evidence is currently insufficient to determine the role of this variant in disease. Therefore, it has been classified as a Variant of Uncertain Significance. Algorithms developed to predict the effect of missense changes on protein structure and function are either unavailable or do not agree on the potential impact of this missense change (SIFT: "Tolerated"; PolyPhen-2: "Possibly Damaging"; Align-GVGD: "Class C0"). This variant has not been reported in the literature in individuals with PLCG2-related disease. This variant is not present in population databases (ExAC no frequency). This sequence change replaces leucine with valine at codon 123 of the PLCG2 protein (p.Leu123Val). The leucine residue is moderately conserved and there is a small physicochemical difference between leucine and valine.

NM_002661.5(PLCG2):c.367C>G (p.Leu123Val)

Gene: PLCG2 (phospholipase C gamma 2; plus strand). Cytogenetic location: 16q23.3.
Variant type: single nucleotide variant.
Coding change: c.367C>G on transcript NM_002661.5 (MANE Select); coding-DNA position 367, C replaced by G.
Protein change: p.Leu123Val; replaces leucine 123 with valine.
Molecular consequence: missense variant.
Genome position (GRCh38, 1-based): chr16:81,858,292, C>G. VCF-style: chr16-81858292-C-G. GRCh37 (hg19) VCF-style: chr16-81891897-C-G.
Other names: short protein forms L123V.
Identifiers: ClinVar variation 659471 (VCV000659471.10), dbSNP rs1362812278, ClinGen allele CA396901451.